The following is an entry in ClinVar:

ClinVar aggregate classification (germline): Benign (1 of 4 stars; one submission).

Conditions:
Pontocerebellar hypoplasia type 2D (PCH2D). Also called: Progressive cerebello-cerebral atrophy. Identifiers: Orphanet 247198, Orphanet 2524, MedGen C3151140, MONDO:0013438, OMIM 613811.

Allele frequency attached by ClinVar (database versions not stated): 1000 Genomes Project 0.00579; gnomAD 0.00583 and 0.00625; 1000 Genomes Project 30x 0.00640; TOPMed 0.00642.
gnomAD v4.1: 880 of 152,300 alleles (0.58%); highest among the groups gnomAD compares: African/African-American, 2%; 9 homozygotes.

Submission:

Illumina Laboratory Services, Illumina
Classification: Benign for Pontocerebellar hypoplasia type 2D. Last evaluated: 2018-01-12. Review status: criteria provided, single submitter. Criteria: ICSL Variant Classification Criteria 13 December 2019. Collection method: clinical testing. Allele origin: germline.
Comment: This variant was observed in the ICSL laboratory as part of a predisposition screen in an ostensibly healthy population. It had not been previously curated by ICSL or reported in the Human Gene Mutation Database (HGMD: prior to June 1st, 2018), and was therefore a candidate for classification through an automated scoring system. Utilizing variant allele frequency, disease prevalence and penetrance estimates, and inheritance mode, an automated score was calculated to assess if this variant is too frequent to cause the disease. Based on the score and internal cut-off values, a variant classified as benign is not then subjected to further curation. The score for this variant resulted in a classification of benign for this disease.

NM_016955.4(SEPSECS):c.*2123A>G

Gene: SEPSECS (Sep (O-phosphoserine) tRNA:Sec (selenocysteine) tRNA synthase; minus strand). Cytogenetic location: 4p15.2.
Variant type: single nucleotide variant.
Coding change: c.*2123A>G on transcript NM_016955.4 (MANE Select); 2123 bases downstream of the stop codon, A replaced by G.
Molecular consequence: 3 prime UTR variant.
Genome position (GRCh38, 1-based): chr4:25,121,808, T>C on the plus strand (A>G on the coding strand, the complement: SEPSECS is on the minus strand). VCF-style: chr4-25121808-T-C. GRCh37 (hg19) VCF-style: chr4-25123430-T-C.
Identifiers: ClinVar variation 348528 (VCV000348528.5), dbSNP rs142960382, ClinGen allele CA10617660.